The following is an entry in ClinVar:

NM_000093.5(COL5A1):c.3967C>T (p.Pro1323Ser)

Gene: COL5A1 (collagen type V alpha 1 chain; plus strand). Cytogenetic location: 9q34.3.
Variant type: single nucleotide variant.
Coding change: c.3967C>T on transcript NM_000093.5 (MANE Select); coding-DNA position 3967, C replaced by T.
Protein change: p.Pro1323Ser; replaces proline 1323 with serine.
Molecular consequence: missense variant.
Genome position (GRCh38, 1-based): chr9:134,814,857, C>T. VCF-style: chr9-134814857-C-T. GRCh37 (hg19) VCF-style: chr9-137706703-C-T.
Other names: c.3967C>T, p.Pro1323Ser (NM_001278074.1); c.3967C>T (NM_000093.3); short protein forms P1323S.
Identifiers: ClinVar variation 2904823 (VCV002904823.4), dbSNP rs147834004, ClinGen allele CA201090843.
Genomic context (GRCh38, chr9:134,814,857, plus strand): 5'-GGACCCAAAGGAGAAAGGGGAGAGAAGGGCGAGTCAGGCCCTTCAGGTGCTGCCGGACCC[C>T]CTGGACCCAAAGGCCCTCCCGGAGATGATGGTCCCAAAGGCAGCCCTGTGAGTATTCCAG-3'
Protein context (NP_000084.3, residues 1313-1333): ESGPSGAAGP[Pro1323Ser]GPKGPPGDDG

ClinVar aggregate classification (germline): Conflicting classifications of pathogenicity. Review status: criteria provided, conflicting classifications (1 of 4 stars). 2 submissions from 2 submitters: Uncertain significance (1); Likely benign (1). Last evaluated 2026-05-27.

Conditions:
Familial thoracic aortic aneurysm and aortic dissection (TAAD). Also called: Thoracic aortic aneurysms and dissections. Identifiers: Orphanet 91387, MedGen C4707243, MONDO:0019625.
Ehlers-Danlos syndrome, classic type, 1 (EDSCL1). Also called: EDS I; EHLERS-DANLOS SYNDROME, GRAVIS TYPE; EHLERS-DANLOS SYNDROME, SEVERE CLASSIC TYPE; Ehlers-Danlos syndrome, type 1; Ehlers-Danlos Syndrome, Classic Type, COL5A1-Related. Identifiers: MedGen C0268335, MONDO:0019567, OMIM 130000.

Allele frequency attached by ClinVar (database versions not stated): TOPMed below 0.00001; ESP Exome Variant Server 0.00016.
gnomAD v4.1: 7 of 1,551,598 alleles (0.00045%); highest among the groups gnomAD compares: Non-Finnish European, 0.00061%; no homozygotes.

Submissions (2):

Ambry Genetics
Classification: Uncertain significance for Familial thoracic aortic aneurysm and aortic dissection. Last evaluated: 2026-05-27. Review status: criteria provided, single submitter. Criteria: Ambry Variant Classification Scheme 2023. Collection method: clinical testing. Allele origin: germline.
Comment: The c.3967C>T (p.P1323S) alteration is located in exon 50 (coding exon 50) of the COL5A1 gene. This alteration results from a C to T substitution at nucleotide position 3967, causing the proline (P) at amino acid position 1323 to be replaced by a serine (S). Based on data from gnomAD, the T allele has an overall frequency of 0.001% (2/156612) total alleles studied. The highest observed frequency was 0.003% (2/60558) of European (non-Finnish) alleles. Based on insufficient or conflicting evidence, the clinical significance of this alteration remains unclear.

Labcorp Genetics (formerly Invitae), Labcorp
Classification: Likely benign for Ehlers-Danlos syndrome, classic type, 1. Last evaluated: 2025-10-23. Review status: criteria provided, single submitter. Criteria: Invitae Variant Classification Sherloc (09022015). Collection method: clinical testing. Allele origin: germline.